The following is an entry in ClinVar:

NM_020549.5(CHAT):c.857C>G (p.Thr286Ser)

Gene: CHAT (choline O-acetyltransferase; plus strand). Cytogenetic location: 10q11.23.
Variant type: single nucleotide variant.
Coding change: c.857C>G on transcript NM_020549.5 (MANE Select); coding-DNA position 857, C replaced by G.
Protein change: p.Thr286Ser; replaces threonine 286 with serine.
Molecular consequence: missense variant.
Genome position (GRCh38, 1-based): chr10:49,625,577, C>G. VCF-style: chr10-49625577-C-G. GRCh37 (hg19) VCF-style: chr10-50833623-C-G.
Other names: c.503C>G, p.Thr168Ser (NM_001142929.2, NM_001142934.2, NM_020984.4 and 2 more transcripts); c.611C>G, p.Thr204Ser (NM_001142933.2); short protein forms T168S, T204S, T286S.
Identifiers: ClinVar variation 944028 (VCV000944028.2), dbSNP rs1231575273, ClinGen allele CA376730126.

ClinVar aggregate classification (germline): Uncertain significance (1 of 4 stars; one submission).

Conditions:
Familial infantile myasthenia (CMS6). Also called: MYASTHENIC SYNDROME, PRESYNAPTIC, CONGENITAL, ASSOCIATED WITH EPISODIC APNEA; MYASTHENIC SYNDROME, CONGENITAL, 6, PRESYNAPTIC; Congenital myasthenic syndrome type 6. Identifiers: Orphanet 590, MedGen C0393929, MONDO:0009689, OMIM 254210.

Submission:

Labcorp Genetics (formerly Invitae), Labcorp
Classification: Uncertain significance for Familial infantile myasthenia. Last evaluated: 2025-04-07. Review status: criteria provided, single submitter. Criteria: Invitae Variant Classification Sherloc (09022015). Collection method: clinical testing. Allele origin: germline.
Comment: This sequence change replaces threonine, which is neutral and polar, with serine, which is neutral and polar, at codon 286 of the CHAT protein (p.Thr286Ser). This variant is not present in population databases (gnomAD no frequency). This variant has not been reported in the literature in individuals affected with CHAT-related conditions. ClinVar contains an entry for this variant (Variation ID: 944028). Invitae Evidence Modeling of protein sequence and biophysical properties (such as structural, functional, and spatial information, amino acid conservation, physicochemical variation, residue mobility, and thermodynamic stability) indicates that this missense variant is not expected to disrupt CHAT protein function with a negative predictive value of 95%. In summary, the available evidence is currently insufficient to determine the role of this variant in disease. Therefore, it has been classified as a Variant of Uncertain Significance.